The following is an entry in ClinVar:

ClinVar aggregate classification (germline): Conflicting classifications of pathogenicity. Review status: criteria provided, conflicting classifications (1 of 4 stars). 4 submissions from 4 submitters: Uncertain significance (1); Likely benign (3). Last evaluated 2026-07-20.

Conditions:
ADGRV1-related disorder. Also called: ADGRV1-related condition; ADGRV1-related disorders.
Usher syndrome type 2C. Also called: Usher syndrome, type 2B; USHER SYNDROME, TYPE IIC. Identifiers: Orphanet 231178, Orphanet 886, MedGen C2931213, MONDO:0011558, OMIM 605472.

Allele frequency attached by ClinVar (database versions not stated): gnomAD exomes 0.00001 and 0.00004; TOPMed 0.00004; ExAC 0.00005; gnomAD 0.00005; 1000 Genomes Project 30x 0.00016; 1000 Genomes Project 0.00020.
gnomAD v4.1: 29 of 1,613,712 alleles (0.0018%); highest among the groups gnomAD compares: Middle Eastern, 0.017%; no homozygotes.

Submissions (4):

PreventionGenetics, part of Exact Sciences
Classification: Likely benign for ADGRV1-related condition. Last evaluated: 2026-07-20. Review status: criteria provided, single submitter. Criteria: ACMG Guidelines, 2015. Collection method: clinical testing. Allele origin: germline.
Comment: This variant is classified as likely benign based on ACMG/AMP sequence variant interpretation guidelines (Richards et al. 2015 PMID: 25741868, with internal and published modifications).

Labcorp Genetics (formerly Invitae), Labcorp
Classification: Likely benign. Last evaluated: 2025-11-23. Review status: criteria provided, single submitter. Criteria: Invitae Variant Classification Sherloc (09022015). Collection method: clinical testing. Allele origin: germline.

Blueprint Genetics
Classification: Likely benign. Last evaluated: 2024-03-06. Review status: criteria provided, single submitter. Criteria: ACMG Guidelines, 2015. Collection method: clinical testing. Allele origin: germline.

Illumina Laboratory Services, Illumina
Classification: Uncertain significance for Usher syndrome type 2C. Last evaluated: 2018-01-13. Review status: criteria provided, single submitter. Criteria: ICSL Variant Classification Criteria 13 December 2019. Collection method: clinical testing. Allele origin: germline.

NM_032119.4(ADGRV1):c.18228C>T (p.Phe6076=)

Gene: ADGRV1 (adhesion G protein-coupled receptor V1; plus strand). Cytogenetic location: 5q14.3.
Variant type: single nucleotide variant.
Coding change: c.18228C>T on transcript NM_032119.4 (MANE Select); coding-DNA position 18228, C replaced by T.
Protein change: p.Phe6076=; no amino-acid change (phenylalanine 6076 retained).
Molecular consequence: synonymous variant. On other transcripts: non-coding transcript variant (1).
Genome position (GRCh38, 1-based): chr5:91,072,522, C>T. VCF-style: chr5-91072522-C-T. GRCh37 (hg19) VCF-style: chr5-90368339-C-T.
Identifiers: ClinVar variation 726752 (VCV000726752.16), dbSNP rs562067191, ClinGen allele CA3342597.